The following is an entry in ClinVar:

NM_001013838.3(CARMIL2):c.2540C>T (p.Pro847Leu)

Gene: CARMIL2 (capping protein regulator and myosin 1 linker 2; plus strand). Cytogenetic location: 16q22.1.
Variant type: single nucleotide variant.
Coding change: c.2540C>T on transcript NM_001013838.3 (MANE Select); coding-DNA position 2540, C replaced by T.
Protein change: p.Pro847Leu; replaces proline 847 with leucine.
Molecular consequence: missense variant.
Genome position (GRCh38, 1-based): chr16:67,651,797, C>T. VCF-style: chr16-67651797-C-T. GRCh37 (hg19) VCF-style: chr16-67685700-C-T.
Other names: c.2432C>T, p.Pro811Leu (NM_001317026.3); c.2540C>T (NM_001013838.1); short protein forms P847L, P811L.
Identifiers: ClinVar variation 1412184 (VCV001412184.7), dbSNP rs546586729, ClinGen allele CA8113809.

ClinVar aggregate classification (germline): Uncertain significance. Review status: criteria provided, multiple submitters, no conflicts (2 of 4 stars). 3 submissions from 3 submitters: Uncertain significance (3). Last evaluated 2024-10-16.

Conditions:
CARMIL2-related disorder. Also called: CARMIL2-related condition.

Allele frequency attached by ClinVar (database versions not stated): gnomAD exomes 0.00003; ExAC 0.00004; 1000 Genomes Project 30x 0.00016; 1000 Genomes Project 0.00020.
gnomAD v4.1: 27 of 1,610,252 alleles (0.0017%); highest among the groups gnomAD compares: Middle Eastern, 0.15%; no homozygotes.

Submissions (3):

Labcorp Genetics (formerly Invitae), Labcorp
Classification: Uncertain significance. Last evaluated: 2024-10-16. Review status: criteria provided, single submitter. Criteria: Invitae Variant Classification Sherloc (09022015). Collection method: clinical testing. Allele origin: germline.
Comment: This sequence change replaces proline, which is neutral and non-polar, with leucine, which is neutral and non-polar, at codon 847 of the CARMIL2 protein (p.Pro847Leu). This variant is present in population databases (rs546586729, gnomAD 0.01%). This variant has not been reported in the literature in individuals affected with CARMIL2-related conditions. ClinVar contains an entry for this variant (Variation ID: 1412184). Invitae Evidence Modeling of protein sequence and biophysical properties (such as structural, functional, and spatial information, amino acid conservation, physicochemical variation, residue mobility, and thermodynamic stability) indicates that this missense variant is not expected to disrupt CARMIL2 protein function with a negative predictive value of 80%. In summary, the available evidence is currently insufficient to determine the role of this variant in disease. Therefore, it has been classified as a Variant of Uncertain Significance.

PreventionGenetics, part of Exact Sciences
Classification: Uncertain significance for CARMIL2-related condition. Last evaluated: 2022-11-14. Review status: criteria provided, single submitter. Criteria: ACMG Guidelines, 2015. Collection method: clinical testing. Allele origin: germline.
Comment: The CARMIL2 c.2540C>T variant is predicted to result in the amino acid substitution p.Pro847Leu. To our knowledge, this variant has not been reported in the literature. This variant is reported in 0.010% of alleles in individuals of Ashkenazi Jewish descent in gnomAD. At this time, the clinical significance of this variant is uncertain due to the absence of conclusive functional and genetic evidence.

Blueprint Genetics
Classification: Uncertain significance. Last evaluated: 2022-10-13. Review status: criteria provided, single submitter. Criteria: ACMG Guidelines, 2015. Collection method: clinical testing. Allele origin: germline.